The following is an entry in ClinVar:

ClinVar aggregate classification (germline): Uncertain significance (1 of 4 stars; one submission).

Conditions:
Infantile spasms. Also called: Infantile spasm. Identifiers: MedGen C3887898, HP:0012469.

Allele frequency attached by ClinVar (database versions not stated): gnomAD exomes below 0.00001 and 0.00001; ExAC 0.00001.

Submission:

Labcorp Genetics (formerly Invitae), Labcorp
Classification: Uncertain significance for Infantile spasms. Last evaluated: 2020-12-21. Review status: criteria provided, single submitter. Criteria: Invitae Variant Classification Sherloc (09022015). Collection method: clinical testing. Allele origin: germline.
Comment: In summary, the available evidence is currently insufficient to determine the role of this variant in disease. Therefore, it has been classified as a Variant of Uncertain Significance. Algorithms developed to predict the effect of missense changes on protein structure and function are either unavailable or do not agree on the potential impact of this missense change (SIFT: "Deleterious"; PolyPhen-2: "Possibly Damaging"; Align-GVGD: "Class C0"). This variant has not been reported in the literature in individuals with PIK3AP1-related conditions. This variant is present in population databases (rs778480899, ExAC 0.002%). This sequence change replaces aspartic acid with asparagine at codon 549 of the PIK3AP1 protein (p.Asp549Asn). The aspartic acid residue is moderately conserved and there is a small physicochemical difference between aspartic acid and asparagine.

NM_152309.3(PIK3AP1):c.1645G>A (p.Asp549Asn)

Gene: PIK3AP1 (phosphoinositide-3-kinase adaptor protein 1; minus strand). Cytogenetic location: 10q24.1.
Variant type: single nucleotide variant.
Coding change: c.1645G>A on transcript NM_152309.3 (MANE Select); coding-DNA position 1645, G replaced by A.
Protein change: p.Asp549Asn; replaces aspartic acid 549 with asparagine.
Molecular consequence: missense variant.
Genome position (GRCh38, 1-based): chr10:96,626,732, C>T on the plus strand (G>A on the coding strand, the complement: PIK3AP1 is on the minus strand). VCF-style: chr10-96626732-C-T. GRCh37 (hg19) VCF-style: chr10-98386489-C-T.
Other names: short protein forms D549N.
Identifiers: ClinVar variation 1499524 (VCV001499524.8), dbSNP rs778480899, ClinGen allele CA5626208.